The following is an entry in ClinVar:

NM_001282648.2(SLC35A2):c.19+5G>T

Gene: SLC35A2 (solute carrier family 35 member A2; minus strand). Cytogenetic location: Xp11.23.
Variant type: single nucleotide variant.
Coding change: c.19+5G>T on transcript NM_001282648.2; 5 bases into the intron after coding-DNA position 19, G replaced by T.
Molecular consequence: intron variant.
Genome position (GRCh38, 1-based): chrX:48,911,854, C>A on the plus strand (G>T on the coding strand, the complement: SLC35A2 is on the minus strand). VCF-style: chrX-48911854-C-A. GRCh37 (hg19) VCF-style: chrX-48769131-C-A.
Identifiers: ClinVar variation 2631573 (VCV002631573.1), dbSNP rs2063539150, ClinGen allele CA2695200196.

ClinVar aggregate classification (germline): Uncertain significance (1 of 4 stars; one submission).

Conditions:
SLC35A2-related disorder. Also called: SLC35A2-related condition.

Submission:

PreventionGenetics, part of Exact Sciences
Classification: Uncertain significance for SLC35A2-related condition. Last evaluated: 2023-08-01. Review status: criteria provided, single submitter. Criteria: ACMG Guidelines, 2015. Collection method: clinical testing. Allele origin: germline.
Comment: The SLC35A2 c.19+5G>T variant is predicted to interfere with splicing. To our knowledge, this variant has not been reported in the literature or in a large population database, indicating this variant is rare. At this time, the clinical significance of this variant is uncertain due to the absence of conclusive functional and genetic evidence.